The following is an entry in ClinVar:

NC_000023.11:g.(?_108575910)_(108597568_?)dup

Gene: COL4A5 (collagen type IV alpha 5 chain; plus strand). Cytogenetic location: Xq22.3.
Variant type: Duplication.
Identifiers: ClinVar variation 832008 (VCV000832008.2).

ClinVar aggregate classification (germline): Uncertain significance (1 of 4 stars; one submission).

Submission:

Labcorp Genetics (formerly Invitae), Labcorp
Classification: Uncertain significance. Last evaluated: 2019-10-29. Review status: criteria provided, single submitter. Criteria: Invitae Variant Classification Sherloc (09022015). Collection method: clinical testing. Allele origin: germline.
Comment: This variant results in a copy number gain of the genomic region encompassing exons 10-24 of the COL4A5 gene. While the exact position of this variant cannot be determined from this data, sub-genic copy number gains are generally in tandem (PMID: 25640679). This variant would be expected to be in-frame, preserving the integrity of the reading frame. This variant has not been reported in the literature in individuals with COL4A5-related conditions. Experimental studies and prediction algorithms are not available or were not evaluated, and the functional significance of this variant is currently unknown. In summary, the available evidence is currently insufficient to determine the role of this variant in disease. Therefore, it has been classified as a Variant of Uncertain Significance.